The following is an entry in ClinVar:

NC_000005.9:g.(?_45695973)_(45696385_?)del

Gene: HCN1 (hyperpolarization activated cyclic nucleotide gated potassium channel 1; minus strand). Cytogenetic location: 5p12.
Variant type: Deletion.
Identifiers: ClinVar variation 2426659 (VCV002426659.4).

ClinVar aggregate classification (germline): Uncertain significance (1 of 4 stars; one submission).

Conditions:
Developmental and epileptic encephalopathy. Identifiers: MedGen C5779964, MONDO:0100620.

Submission:

Labcorp Genetics (formerly Invitae), Labcorp
Classification: Uncertain significance for Early-infantile DEE. Last evaluated: 2023-10-03. Review status: criteria provided, single submitter. Criteria: Invitae Variant Classification Sherloc (09022015). Collection method: clinical testing. Allele origin: germline.
Comment: This variant results in the deletion of part of exon 1 (c.-190_224del) of the HCN1 gene. It is expected to result in an absent or disrupted protein product. However, the current clinical and genetic evidence is not sufficient to establish whether loss-of-function variants in HCN1 cause disease. This variant has not been reported in the literature in individuals affected with HCN1-related conditions. ClinVar contains an entry for this variant (Variation ID: 971425). Experimental studies and prediction algorithms are not available or were not evaluated, and the functional significance of this variant is currently unknown. In summary, the available evidence is currently insufficient to determine the role of this variant in disease. Therefore, it has been classified as a Variant of Uncertain Significance.